The following is an entry in ClinVar:

NM_000815.5(GABRD):c.1144C>T (p.Arg382Cys)

Gene: GABRD (gamma-aminobutyric acid type A receptor subunit delta; plus strand). Cytogenetic location: 1p36.33.
Variant type: single nucleotide variant.
Coding change: c.1144C>T on transcript NM_000815.5 (MANE Select); coding-DNA position 1144, C replaced by T.
Protein change: p.Arg382Cys; replaces arginine 382 with cysteine.
Molecular consequence: missense variant.
Genome position (GRCh38, 1-based): chr1:2,030,067, C>T. VCF-style: chr1-2030067-C-T. GRCh37 (hg19) VCF-style: chr1-1961506-C-T.
Other names: short protein forms R382C.
Identifiers: ClinVar variation 1399634 (VCV001399634.6), dbSNP rs1434291863, ClinGen allele CA337960587.
Genomic context (GRCh38, chr1:2,030,067, plus strand): 5'-CTCTTCTCCCTCTCTGCTGCCGGCGTCACGCAGGAGCTGGCCATCTCCCGCCGGCAGCGC[C>T]GCGTCCCGGGGAACCTGATGGGCTCCTACAGGTCGGTGGGGGTGGAGACAGGGGAGACGA-3'
Protein context (NP_000806.2, residues 372-392): QELAISRRQR[Arg382Cys]VPGNLMGSYR

ClinVar aggregate classification (germline): Uncertain significance (1 of 4 stars; one submission).

Conditions:
Idiopathic generalized epilepsy. Also called: Generalised epilepsy; EIG. Identifiers: MedGen C0270850, MONDO:0005579, OMIM 600669.

Allele frequency attached by ClinVar (database versions not stated): gnomAD exomes below 0.00001 and 0.00001; TOPMed 0.00001.

Submission:

Labcorp Genetics (formerly Invitae), Labcorp
Classification: Uncertain significance for Idiopathic generalized epilepsy. Last evaluated: 2023-03-03. Review status: criteria provided, single submitter. Criteria: Invitae Variant Classification Sherloc (09022015). Collection method: clinical testing. Allele origin: germline.
Comment: An algorithm developed to predict the effect of missense changes on protein structure and function (PolyPhen-2) suggests that this variant is likely to be disruptive. In summary, the available evidence is currently insufficient to determine the role of this variant in disease. Therefore, it has been classified as a Variant of Uncertain Significance. ClinVar contains an entry for this variant (Variation ID: 1399634). This variant has not been reported in the literature in individuals affected with GABRD-related conditions. This variant is not present in population databases (gnomAD no frequency). This sequence change replaces arginine, which is basic and polar, with cysteine, which is neutral and slightly polar, at codon 382 of the GABRD protein (p.Arg382Cys).